The following is an entry in ClinVar:

ClinVar aggregate classification (germline): Benign. Review status: criteria provided, multiple submitters, no conflicts (2 of 4 stars). 5 submissions from 5 submitters: Benign (4). 1 of the submissions does not count toward it. Last evaluated 2026-02-03.

Conditions:
COG5-related disorder. Also called: COG5-related condition.
COG5-congenital disorder of glycosylation. Also called: CONGENITAL DISORDER OF GLYCOSYLATION, TYPE IIi; CDG IIi; COG5-CDG. Identifiers: Orphanet 263487, MedGen C3150876, MONDO:0013325, OMIM 613612.

Allele frequency attached by ClinVar (database versions not stated): gnomAD exomes 0.00451; ExAC 0.00510; gnomAD 0.01453 and 0.01554; 1000 Genomes Project 30x 0.01483; 1000 Genomes Project 0.01518; TOPMed 0.01646; ESP Exome Variant Server 0.01707.
gnomAD v4.1: 5,231 of 1,613,526 alleles (0.32%); highest among the groups gnomAD compares: African/African-American, 4.9%; 100 homozygotes.

Submissions (5):

Labcorp Genetics (formerly Invitae), Labcorp
Classification: Benign for COG5-congenital disorder of glycosylation. Last evaluated: 2026-02-03. Review status: criteria provided, single submitter. Criteria: Invitae Variant Classification Sherloc (09022015). Collection method: clinical testing. Allele origin: germline.

Illumina Laboratory Services, Illumina
Classification: Benign for COG5-congenital disorder of glycosylation. Last evaluated: 2018-01-12. Review status: criteria provided, single submitter. Criteria: ICSL Variant Classification Criteria 13 December 2019. Collection method: clinical testing. Allele origin: germline.
Comment: This variant was observed in the ICSL laboratory as part of a predisposition screen in an ostensibly healthy population. It had not been previously curated by ICSL or reported in the Human Gene Mutation Database (HGMD: prior to June 1st, 2018), and was therefore a candidate for classification through an automated scoring system. Utilizing variant allele frequency, disease prevalence and penetrance estimates, and inheritance mode, an automated score was calculated to assess if this variant is too frequent to cause the disease. Based on the score and internal cut-off values, a variant classified as benign is not then subjected to further curation. The score for this variant resulted in a classification of benign for this disease.

GeneDx
Classification: Benign. Last evaluated: 2016-03-01. Review status: criteria provided, single submitter. Criteria: GeneDx Variant Classification (06012015). Collection method: clinical testing. Allele origin: germline. Affected: yes.
Comment: This variant is considered likely benign or benign based on one or more of the following criteria: it is a conservative change, it occurs at a poorly conserved position in the protein, it is predicted to be benign by multiple in silico algorithms, and/or has population frequency not consistent with disease.

Breakthrough Genomics
Classification: Benign. Review status: criteria provided, single submitter. Criteria: ACMG Guidelines, 2015. Collection method: not provided. Allele origin: germline. Inheritance: Autosomal recessive inheritance. Affected: yes.

PreventionGenetics, part of Exact Sciences
Classification: Benign for COG5-related condition. Last evaluated: 2019-10-23. Review status: no assertion criteria provided. Collection method: clinical testing. Allele origin: germline. Not counted in ClinVar's aggregate classification.
Comment: This variant is classified as benign based on ACMG/AMP sequence variant interpretation guidelines (Richards et al. 2015 PMID: 25741868, with internal and published modifications).

NM_006348.5(COG5):c.1257A>G (p.Leu419=)

Gene: COG5 (component of oligomeric golgi complex 5; minus strand). Cytogenetic location: 7q22.3.
Variant type: single nucleotide variant.
Coding change: c.1257A>G on transcript NM_006348.5 (MANE Select); coding-DNA position 1257, A replaced by G.
Protein change: p.Leu419=; no amino-acid change (leucine 419 retained).
Molecular consequence: synonymous variant.
Genome position (GRCh38, 1-based): chr7:107,298,198, T>C on the plus strand (A>G on the coding strand, the complement: COG5 is on the minus strand). VCF-style: chr7-107298198-T-C. GRCh37 (hg19) VCF-style: chr7-106938643-T-C.
Other names: c.1257A>G, p.Leu419= (NM_001161520.2, NM_001379511.1, NM_001379512.1 and 3 more transcripts); c.687A>G, p.Leu229= (NM_001379515.1); c.543A>G, p.Leu181= (NM_001379516.1).
Identifiers: ClinVar variation 358462 (VCV000358462.18), dbSNP rs74443110, ClinGen allele CA4430968.